The following is an entry in ClinVar:

ClinVar aggregate classification (germline): Pathogenic. Review status: criteria provided, single submitter (1 of 4 stars). 2 submissions from 2 submitters: Pathogenic (1). 1 of the submissions does not count toward it. Last evaluated 2022-08-01.

Conditions:
AHDC1-related intellectual disability - obstructive sleep apnea - mild dysmorphism syndrome. Also called: Xia-Gibbs syndrome. Identifiers: Orphanet 412069, MedGen C4014419, MONDO:0014358, OMIM 615829.

Submissions (2):

CeGaT Center for Human Genetics Tuebingen
Classification: Pathogenic. Last evaluated: 2022-08-01. Review status: criteria provided, single submitter. Criteria: CeGaT Center For Human Genetics Tuebingen Variant Classification Criteria Version 2. Collection method: clinical testing. Allele origin: germline. Affected: yes. Observed: 1 variant allele.
Comment: AHDC1: PS2, PVS1:Strong, PM2, PS4:Moderate

Human Genome Sequencing Center Clinical Lab, Baylor College of Medicine
Classification: Pathogenic for AHDC1-related intellectual disability - obstructive sleep apnea - mild dysmorphism syndrome. Review status: no assertion criteria provided. Collection method: clinical testing. Allele origin: de novo. Affected: yes. Not counted in ClinVar's aggregate classification.

NM_001371928.1(AHDC1):c.3773C>G (p.Ser1258Ter)

Gene: AHDC1 (AT-hook DNA binding motif containing 1; minus strand). Cytogenetic location: 1p36.11.
Variant type: single nucleotide variant.
Coding change: c.3773C>G on transcript NM_001371928.1 (MANE Select); coding-DNA position 3773, C replaced by G.
Protein change: p.Ser1258Ter; replaces serine 1258 with a stop codon.
Molecular consequence: nonsense.
Genome position (GRCh38, 1-based): chr1:27,548,343, G>C on the plus strand (C>G on the coding strand, the complement: AHDC1 is on the minus strand). VCF-style: chr1-27548343-G-C. GRCh37 (hg19) VCF-style: chr1-27874854-G-C.
Other names: c.3773C>G, p.Ser1258Ter (NM_001029882.3); short protein forms S1258*.
Identifiers: ClinVar variation 996931 (VCV000996931.31), dbSNP rs2148265222, ClinGen allele CA339225218.
Genomic context (GRCh38, chr1:27,548,343, plus strand): 5'-CCACCGCCCCGTCCACCTCGCGGCTGCCGGGGCCCAGTGCTCCGTTTGGATGGGTAGCCT[G>C]AGGCAGCGGCAGAGGCGGATGTCGGGAAGCCCAGATGTGAGGCCTCGAACAGGTCCACCT-3'